The following is an entry in ClinVar:

ClinVar aggregate classification (germline): Uncertain significance (1 of 4 stars; one submission).

Conditions:
Charcot-Marie-Tooth disease type 2. Also called: Charcot-Marie-Tooth type 2. Identifiers: Orphanet 64746, MedGen C0270914, MONDO:0018993.

Submission:

Labcorp Genetics (formerly Invitae), Labcorp
Classification: Uncertain significance for Charcot-Marie-Tooth disease type 2. Last evaluated: 2022-06-09. Review status: criteria provided, single submitter. Criteria: Invitae Variant Classification Sherloc (09022015). Collection method: clinical testing. Allele origin: germline.
Comment: In summary, the available evidence is currently insufficient to determine the role of this variant in disease. Therefore, it has been classified as a Variant of Uncertain Significance. Algorithms developed to predict the effect of missense changes on protein structure and function (SIFT, PolyPhen-2, Align-GVGD) all suggest that this variant is likely to be tolerated. This variant has not been reported in the literature in individuals affected with KIF1B-related conditions. This variant is not present in population databases (gnomAD no frequency). This sequence change replaces threonine, which is neutral and polar, with serine, which is neutral and polar, at codon 826 of the KIF1B protein (p.Thr826Ser).

NM_001365951.3(KIF1B):c.2615C>G (p.Thr872Ser)

Gene: KIF1B (kinesin family member 1B; plus strand). Cytogenetic location: 1p36.22.
Variant type: single nucleotide variant.
Coding change: c.2615C>G on transcript NM_001365951.3 (MANE Select); coding-DNA position 2615, C replaced by G.
Protein change: p.Thr872Ser; replaces threonine 872 with serine.
Molecular consequence: missense variant.
Genome position (GRCh38, 1-based): chr1:10,324,835, C>G. VCF-style: chr1-10324835-C-G. GRCh37 (hg19) VCF-style: chr1-10384893-C-G.
Other names: c.2615C>G, p.Thr872Ser (NM_001365952.1); c.2477C>G, p.Thr826Ser (NM_015074.3); short protein forms T826S, T872S.
Identifiers: ClinVar variation 2120908 (VCV002120908.4), dbSNP rs2521630307, ClinGen allele CA338335697.